The following is an entry in ClinVar:

NM_017636.4(TRPM4):c.1331T>C (p.Leu444Pro)

Gene: TRPM4 (transient receptor potential cation channel subfamily M member 4; plus strand). Cytogenetic location: 19q13.33.
Variant type: single nucleotide variant.
Coding change: c.1331T>C on transcript NM_017636.4 (MANE Select); coding-DNA position 1331, T replaced by C.
Protein change: p.Leu444Pro; replaces leucine 444 with proline.
Molecular consequence: missense variant. On other transcripts: 5 prime UTR variant (1).
Genome position (GRCh38, 1-based): chr19:49,182,645, T>C. VCF-style: chr19-49182645-T-C. GRCh37 (hg19) VCF-style: chr19-49685902-T-C.
Other names: c.1331T>C, p.Leu444Pro (NM_001195227.2); c.986T>C, p.Leu329Pro (NM_001321281.2); c.-223T>C (NM_001321282.2); c.809T>C, p.Leu270Pro (NM_001321283.2); c.269T>C, p.Leu90Pro (NM_001321285.2); short protein forms L329P, L444P, L270P, L90P.
Identifiers: ClinVar variation 3974259 (VCV003974259.2).
Genomic context (GRCh38, chr19:49,182,645, plus strand): 5'-ATCTCGAAGCTTCCCTCATGGACGCCCTGCTGAATGACCGGCCTGAGTTCGTGCGCTTGC[T>C]CATTTCCCACGGCCTCAGCCTGGGCCACTTCCTGACCCCGATGCGCCTGGCCCAACTCTA-3'
Protein context (NP_060106.2, residues 434-454): LNDRPEFVRL[Leu444Pro]ISHGLSLGHF

ClinVar aggregate classification (germline): Uncertain significance. Review status: criteria provided, multiple submitters, no conflicts (2 of 4 stars). 2 submissions from 2 submitters: Uncertain significance (2). Last evaluated 2025-07-30.

Conditions:
Progressive familial heart block type IB (PFHB1B). Identifiers: Orphanet 871, MedGen C1970298, MONDO:0011474, OMIM 604559.
Cardiovascular phenotype. Identifiers: MedGen CN230736.

gnomAD v4.1: 1 of 1,614,096 alleles (0.000062%); highest among the groups gnomAD compares: African/African-American, 0.0013%; no homozygotes.

Submissions (2):

Labcorp Genetics (formerly Invitae), Labcorp
Classification: Uncertain significance for Progressive familial heart block type IB. Last evaluated: 2025-07-30. Review status: criteria provided, single submitter. Criteria: Invitae Variant Classification Sherloc (09022015). Collection method: clinical testing. Allele origin: germline.
Comment: This sequence change replaces leucine, which is neutral and non-polar, with proline, which is neutral and non-polar, at codon 444 of the TRPM4 protein (p.Leu444Pro). This variant is not present in population databases (gnomAD no frequency). This variant has not been reported in the literature in individuals affected with TRPM4-related conditions. ClinVar contains an entry for this variant (Variation ID: 3974259). An algorithm developed to predict the effect of missense changes on protein structure and function (PolyPhen-2) suggests that this variant is likely to be disruptive. In summary, the available evidence is currently insufficient to determine the role of this variant in disease. Therefore, it has been classified as a Variant of Uncertain Significance.

Ambry Genetics
Classification: Uncertain significance for Cardiovascular phenotype. Last evaluated: 2025-03-23. Review status: criteria provided, single submitter. Criteria: Ambry Variant Classification Scheme 2023. Collection method: clinical testing. Allele origin: germline.
Comment: The p.L444P variant (also known as c.1331T>C), located in coding exon 11 of the TRPM4 gene, results from a T to C substitution at nucleotide position 1331. The leucine at codon 444 is replaced by proline, an amino acid with similar properties. This amino acid position is conserved. In addition, this alteration is predicted to be deleterious by in silico analysis. Based on the available evidence, the clinical significance of this variant remains unclear.